The following is an entry in ClinVar:

NM_016604.4(KDM3B):c.4382A>T (p.Asp1461Val)

Gene: KDM3B (lysine demethylase 3B; plus strand). Cytogenetic location: 5q31.2.
Variant type: single nucleotide variant.
Coding change: c.4382A>T on transcript NM_016604.4 (MANE Select); coding-DNA position 4382, A replaced by T.
Protein change: p.Asp1461Val; replaces aspartic acid 1461 with valine.
Molecular consequence: missense variant.
Genome position (GRCh38, 1-based): chr5:138,425,553, A>T. VCF-style: chr5-138425553-A-T. GRCh37 (hg19) VCF-style: chr5-137761242-A-T.
Other names: short protein forms D1461V.
Identifiers: ClinVar variation 1707079 (VCV001707079.2), dbSNP rs2480315913, ClinGen allele CA361093089.

ClinVar aggregate classification (germline): Uncertain significance (1 of 4 stars; one submission).

Submission:

GeneDx
Classification: Uncertain significance. Last evaluated: 2022-03-24. Review status: criteria provided, single submitter. Criteria: GeneDx Variant Classification Process June 2021. Collection method: clinical testing. Allele origin: germline. Affected: yes.
Comment: Not observed at significant frequency in large population cohorts (gnomAD); In silico analysis supports that this missense variant has a deleterious effect on protein structure/function; Has not been previously published as pathogenic or benign to our knowledge